The following is an entry in ClinVar:

ClinVar aggregate classification (germline): Conflicting classifications of pathogenicity. Review status: criteria provided, conflicting classifications (1 of 4 stars). 3 submissions from 3 submitters: Uncertain significance (2); Likely benign (1). Last evaluated 2024-11-21.

Conditions:
Combined deficiency of sialidase AND beta galactosidase (GSL). Also called: CATHEPSIN A DEFICIENCY; GOLDBERG SYNDROME; NEURAMINIDASE DEFICIENCY WITH BETA-GALACTOSIDASE DEFICIENCY; NEURAMINIDASE/BETA-GALACTOSIDASE EXPRESSION; PPCA DEFICIENCY; PROTECTIVE PROTEIN/CATHEPSIN A DEFICIENCY. Identifiers: Orphanet 351, MedGen C0268233, MONDO:0009737, OMIM 256540.

Allele frequency attached by ClinVar (database versions not stated): ExAC 0.00003; ESP Exome Variant Server 0.00008.

Submissions (4):

Blueprint Genetics
Classification: Likely benign. Last evaluated: 2024-11-21. Review status: criteria provided, single submitter. Criteria: ACMG Guidelines, 2015. Collection method: clinical testing. Allele origin: germline.

Women's Health and Genetics/Laboratory Corporation of America, LabCorp
Classification: Uncertain significance. Last evaluated: 2024-06-17. Review status: criteria provided, single submitter. Criteria: LabCorp Variant Classification Summary - May 2015. Collection method: clinical testing. Allele origin: germline.

Labcorp Genetics (formerly Invitae), Labcorp
Classification: Uncertain significance for Combined deficiency of sialidase AND beta galactosidase. Last evaluated: 2022-08-29. Review status: criteria provided, single submitter. Criteria: Invitae Variant Classification Sherloc (09022015). Collection method: clinical testing. Allele origin: germline.
Comment: This sequence change falls in intron 14 of the CTSA gene. It does not directly change the encoded amino acid sequence of the CTSA protein. It affects a nucleotide within the consensus splice site. This variant is present in population databases (rs375030709, gnomAD 0.009%). This variant has not been reported in the literature in individuals affected with CTSA-related conditions. Variants that disrupt the consensus splice site are a relatively common cause of aberrant splicing (PMID: 17576681, 9536098). Algorithms developed to predict the effect of sequence changes on RNA splicing suggest that this variant is not likely to affect RNA splicing. In summary, the available evidence is currently insufficient to determine the role of this variant in disease. Therefore, it has been classified as a Variant of Uncertain Significance.

Dr. Peter K. Rogan Lab, Western University
No classification provided (evidence only). Condition: Lung cancer. Review status: no classification provided. Collection method: in vitro. Allele origin: not applicable. Functional consequence: retained intron. Not counted in ClinVar's aggregate classification.

Literature cited by the submitters: PubMed 17576681 (cited by Labcorp Genetics (formerly Invitae), Labcorp); PubMed 9536098 (cited by Labcorp Genetics (formerly Invitae), Labcorp).

NM_000308.4(CTSA):c.1359+6G>T

Gene: CTSA (cathepsin A; plus strand). Cytogenetic location: 20q13.12.
Variant type: single nucleotide variant.
Coding change: c.1359+6G>T on transcript NM_000308.4 (MANE Select); 6 bases into the intron after coding-DNA position 1359, G replaced by T.
Molecular consequence: intron variant.
Genome position (GRCh38, 1-based): chr20:45,898,115, G>T. VCF-style: chr20-45898115-G-T. GRCh37 (hg19) VCF-style: chr20-44526754-G-T.
Other names: c.1359+6G>T (NM_001127695.3); c.1308+6G>T (NM_001167594.3).
Identifiers: ClinVar variation 2066699 (VCV002066699.4), dbSNP rs375030709, ClinGen allele CA9883382.